The following is an entry in ClinVar:

NM_001376.5(DYNC1H1):c.2754C>T (p.Gly918=)

Gene: DYNC1H1 (dynein cytoplasmic 1 heavy chain 1; plus strand). Cytogenetic location: 14q32.31.
Variant type: single nucleotide variant.
Coding change: c.2754C>T on transcript NM_001376.5 (MANE Select); coding-DNA position 2754, C replaced by T.
Protein change: p.Gly918=; no amino-acid change (glycine 918 retained).
Molecular consequence: synonymous variant.
Genome position (GRCh38, 1-based): chr14:101,988,738, C>T. VCF-style: chr14-101988738-C-T. GRCh37 (hg19) VCF-style: chr14-102455075-C-T.
Other names: c.2754C>T (NM_001376.4).
Identifiers: ClinVar variation 1519499 (VCV001519499.10), dbSNP rs543139363, ClinGen allele CA7351881.
Genomic context (GRCh38, chr14:101,988,738, plus strand): 5'-TTCTCTGATATAACGTTGTCTGTAGATTGAAAGAATATTGGGCGTCCGTCTGCAAGCTGG[C>T]CTGAGAGCTTGGACGCAGGTTCTTCTTGGACAAGCTGAAGATAAAGCAGAAGTTGACATG-3'
Protein context (NP_001367.2, residues 908-928): ERILGVRLQA[Gly918=]LRAWTQVLLG

ClinVar aggregate classification (germline): Likely benign. Review status: criteria provided, single submitter (1 of 4 stars). 2 submissions from 2 submitters: Likely benign (1). 1 of the submissions does not count toward it. Last evaluated 2023-11-27.

Conditions:
Charcot-Marie-Tooth disease axonal type 2O. Also called: CHARCOT-MARIE-TOOTH NEUROPATHY, AXONAL, TYPE 2O; CHARCOT-MARIE-TOOTH DISEASE, AXONAL, AUTOSOMAL DOMINANT, TYPE 2O; Charcot-Marie-Tooth Neuropathy Type 2O; Charcot-Marie-Tooth disease, axonal, type 20. Identifiers: Orphanet 284232, MedGen C3280220, MONDO:0013644, OMIM 614228.
DYNC1H1-related disorder. Also called: DYNC1H1-related disorders; DYNC1H1-related condition. Identifiers: MedGen CN381529.

Allele frequency attached by ClinVar (database versions not stated): gnomAD exomes below 0.00001 and 0.00001; gnomAD 0.00001; TOPMed 0.00001; ExAC 0.00002; 1000 Genomes Project 30x 0.00016; 1000 Genomes Project 0.00020.
gnomAD v4.1: 3 of 1,614,154 alleles (0.00019%); highest among the groups gnomAD compares: East Asian, 0.0067%; no homozygotes.

Submissions (2):

Labcorp Genetics (formerly Invitae), Labcorp
Classification: Likely benign for Charcot-Marie-Tooth disease axonal type 2O. Last evaluated: 2023-11-27. Review status: criteria provided, single submitter. Criteria: Invitae Variant Classification Sherloc (09022015). Collection method: clinical testing. Allele origin: germline.

PreventionGenetics, part of Exact Sciences
Classification: Likely benign for DYNC1H1-related condition. Last evaluated: 2023-03-12. Review status: no assertion criteria provided. Collection method: clinical testing. Allele origin: germline. Not counted in ClinVar's aggregate classification.
Comment: This variant is classified as likely benign based on ACMG/AMP sequence variant interpretation guidelines (Richards et al. 2015 PMID: 25741868, with internal and published modifications).